The following is an entry in ClinVar:

NM_003183.6(ADAM17):c.339C>G (p.Asp113Glu)

Gene: ADAM17 (ADAM metallopeptidase domain 17; minus strand). Cytogenetic location: 2p25.1.
Variant type: single nucleotide variant.
Coding change: c.339C>G on transcript NM_003183.6 (MANE Select); coding-DNA position 339, C replaced by G.
Protein change: p.Asp113Glu; replaces aspartic acid 113 with glutamic acid.
Molecular consequence: missense variant. On other transcripts: 5 prime UTR variant (2).
Genome position (GRCh38, 1-based): chr2:9,536,720, G>C on the plus strand (C>G on the coding strand, the complement: ADAM17 is on the minus strand). VCF-style: chr2-9536720-G-C. GRCh37 (hg19) VCF-style: chr2-9676849-G-C.
Other names: c.-342C>G (NM_001382777.1); c.-584C>G (NM_001382778.1); short protein forms D113E.
Identifiers: ClinVar variation 1414613 (VCV001414613.5), dbSNP rs1664974310, ClinGen allele CA345786271.

ClinVar aggregate classification (germline): Uncertain significance (1 of 4 stars; one submission).

Conditions:
Inflammatory skin and bowel disease, neonatal, 1. Identifiers: Orphanet 294023, MedGen C3280501, MONDO:0013693, OMIM 614328.

Allele frequency attached by ClinVar (database versions not stated): gnomAD exomes below 0.00001.
gnomAD v4.1: 2 of 1,614,056 alleles (0.00012%); highest among the groups gnomAD compares: African/African-American, 0.0027%; no homozygotes.

Submission:

Labcorp Genetics (formerly Invitae), Labcorp
Classification: Uncertain significance for Inflammatory skin and bowel disease, neonatal, 1. Last evaluated: 2023-11-28. Review status: criteria provided, single submitter. Criteria: Invitae Variant Classification Sherloc (09022015). Collection method: clinical testing. Allele origin: germline.
Comment: This sequence change replaces aspartic acid, which is acidic and polar, with glutamic acid, which is acidic and polar, at codon 113 of the ADAM17 protein (p.Asp113Glu). This variant is not present in population databases (gnomAD no frequency). This variant has not been reported in the literature in individuals affected with ADAM17-related conditions. ClinVar contains an entry for this variant (Variation ID: 1414613). An algorithm developed to predict the effect of missense changes on protein structure and function (PolyPhen-2) suggests that this variant¬†is likely to be tolerated. In summary, the available evidence is currently insufficient to determine the role of this variant in disease. Therefore, it has been classified as a Variant of Uncertain Significance.